The following is an entry in ClinVar:

ClinVar aggregate classification (germline): Uncertain significance (1 of 4 stars; one submission).

Conditions:
Granulomatous disease, chronic, autosomal recessive, cytochrome b-negative. Also called: Chronic granulomatous disease, autosomal, due to deficiency of CYBA; CGD DUE TO DEFICIENCY OF THE ALPHA SUBUNIT OF CYTOCHROME b; CGD, AUTOSOMAL RECESSIVE CYTOCHROME b-NEGATIVE; CYBA DEFICIENCY; GRANULOMATOUS DISEASE, CHRONIC, AUTOSOMAL RECESSIVE, 4. Identifiers: Orphanet 379, MedGen C1856255, MONDO:0009308, OMIM 233690.

Allele frequency attached by ClinVar (database versions not stated): gnomAD exomes below 0.00001 and 0.00001.
gnomAD v4.1: 4 of 1,610,892 alleles (0.00025%); highest among the groups gnomAD compares: African/African-American, 0.0013%; no homozygotes.

Submission:

Labcorp Genetics (formerly Invitae), Labcorp
Classification: Uncertain significance for Granulomatous disease, chronic, autosomal recessive, cytochrome b-negative. Last evaluated: 2021-08-31. Review status: criteria provided, single submitter. Criteria: Invitae Variant Classification Sherloc (09022015). Collection method: clinical testing. Allele origin: germline.
Comment: This sequence change replaces methionine with valine at codon 65 of the CYBA protein (p.Met65Val). The methionine residue is highly conserved and there is a small physicochemical difference between methionine and valine. This variant is not present in population databases (ExAC no frequency). This variant has not been reported in the literature in individuals affected with CYBA-related conditions. Algorithms developed to predict the effect of missense changes on protein structure and function (SIFT, PolyPhen-2, Align-GVGD) all suggest that this variant is likely to be tolerated. In summary, the available evidence is currently insufficient to determine the role of this variant in disease. Therefore, it has been classified as a Variant of Uncertain Significance.

NM_000101.4(CYBA):c.193A>G (p.Met65Val)

Gene: CYBA (cytochrome b-245 alpha chain; minus strand). Cytogenetic location: 16q24.2.
Variant type: single nucleotide variant.
Coding change: c.193A>G on transcript NM_000101.4 (MANE Select); coding-DNA position 193, A replaced by G.
Protein change: p.Met65Val; replaces methionine 65 with valine.
Molecular consequence: missense variant.
Genome position (GRCh38, 1-based): chr16:88,647,111, T>C on the plus strand (A>G on the coding strand, the complement: CYBA is on the minus strand). VCF-style: chr16-88647111-T-C. GRCh37 (hg19) VCF-style: chr16-88713519-T-C.
Other names: short protein forms M65V.
Identifiers: ClinVar variation 573949 (VCV000573949.8), dbSNP rs1567609300, ClinGen allele CA397064937.